The following is an entry in ClinVar:

NM_000245.4(MET):c.3053A>G (p.Asn1018Ser)

Gene: MET (MET proto-oncogene, receptor tyrosine kinase; plus strand). Cytogenetic location: 7q31.2.
Variant type: single nucleotide variant.
Coding change: c.3053A>G on transcript NM_000245.4 (MANE Select); coding-DNA position 3053, A replaced by G.
Protein change: p.Asn1018Ser; replaces asparagine 1018 with serine.
Molecular consequence: missense variant.
Genome position (GRCh38, 1-based): chr7:116,774,905, A>G. VCF-style: chr7-116774905-A-G. GRCh37 (hg19) VCF-style: chr7-116414959-A-G.
Other names: c.3107A>G, p.Asn1036Ser (NM_001127500.3); c.1763A>G, p.Asn588Ser (NM_001324402.2); short protein forms N1018S, N1036S, N588S.
Identifiers: ClinVar variation 1716007 (VCV001716007.5), dbSNP rs2117029729, ClinGen allele CA368987852.
Genomic context (GRCh38, chr7:116,774,905, plus strand): 5'-ACTGTTGTTCTTTAATAATTTTCCTTCATCTTACAGATCAGTTTCCTAATTCATCTCAGA[A>G]CGGTTCATGCCGACAAGTGCAGTATCCTCTGACAGACATGTCCCCCATCCTAACTAGTGG-3'
Protein context (NP_000236.2, residues 1008-1028): PEDQFPNSSQ[Asn1018Ser]GSCRQVQYPL

ClinVar aggregate classification (germline): Uncertain significance (1 of 4 stars; one submission).

Conditions:
Renal cell carcinoma. Identifiers: Orphanet 217071, MedGen C0007134, MeSH D002292, MONDO:0005086, HP:0005584.

Submission:

Labcorp Genetics (formerly Invitae), Labcorp
Classification: Uncertain significance for Renal cell carcinoma. Last evaluated: 2022-12-21. Review status: criteria provided, single submitter. Criteria: Invitae Variant Classification Sherloc (09022015). Collection method: clinical testing. Allele origin: germline.
Comment: This sequence change replaces asparagine, which is neutral and polar, with serine, which is neutral and polar, at codon 1036 of the MET protein (p.Asn1036Ser). This variant is not present in population databases (gnomAD no frequency). This variant has not been reported in the literature in individuals affected with MET-related conditions. ClinVar contains an entry for this variant (Variation ID: 1716007). Algorithms developed to predict the effect of missense changes on protein structure and function are either unavailable or do not agree on the potential impact of this missense change (SIFT: "Tolerated"; PolyPhen-2: "Probably Damaging"; Align-GVGD: "Class C0"). In summary, the available evidence is currently insufficient to determine the role of this variant in disease. Therefore, it has been classified as a Variant of Uncertain Significance.